The following is an entry in ClinVar:

NM_004260.4(RECQL4):c.1448C>G (p.Pro483Arg)

Gene: RECQL4 (RecQ like helicase 4; minus strand). Cytogenetic location: 8q24.3.
Variant type: single nucleotide variant.
Coding change: c.1448C>G on transcript NM_004260.4 (MANE Select); coding-DNA position 1448, C replaced by G.
Protein change: p.Pro483Arg; replaces proline 483 with arginine.
Molecular consequence: missense variant. On other transcripts: 5 prime UTR variant (1), non-coding transcript variant (3).
Genome position (GRCh38, 1-based): chr8:144,515,185, G>C on the plus strand (C>G on the coding strand, the complement: RECQL4 is on the minus strand). VCF-style: chr8-144515185-G-C. GRCh37 (hg19) VCF-style: chr8-145740569-G-C.
Other names: c.1352C>G, p.Pro451Arg (NM_001413017.1, NM_001413020.1); c.1448C>G, p.Pro483Arg (NM_001413018.1, NM_001413019.1, NM_001413036.1 and 2 more transcripts); c.377C>G, p.Pro126Arg (NM_001413021.1, NM_001413022.1, NM_001413034.1 and 8 more transcripts); c.311C>G, p.Pro104Arg (NM_001413041.1, NM_001413027.1, NM_001413030.1 and 2 more transcripts); c.-20C>G (NM_001413043.1); c.1319C>G, p.Pro440Arg (NM_001413025.1); c.1097C>G, p.Pro366Arg (NM_001413029.1); short protein forms P126R, P366R, P451R, P104R, P440R, P483R.
Identifiers: ClinVar variation 4628993 (VCV004628993.1).

ClinVar aggregate classification (germline): Uncertain significance (1 of 4 stars; one submission).

Conditions:
Inborn genetic diseases. Identifiers: MedGen C0950123, MeSH D030342.

Submission:

Ambry Genetics
Classification: Uncertain significance for Inborn genetic diseases. Last evaluated: 2025-12-10. Review status: criteria provided, single submitter. Criteria: Ambry Variant Classification Scheme 2023. Collection method: clinical testing. Allele origin: germline.
Comment: The p.P483R variant (also known as c.1448C>G), located in coding exon 8 of the RECQL4 gene, results from a C to G substitution at nucleotide position 1448. The proline at codon 483 is replaced by arginine, an amino acid with dissimilar properties. This amino acid position is conserved. In addition, this alteration is predicted to be deleterious by in silico analysis. Based on the available evidence, the clinical significance of this variant remains unclear.